The following is an entry in ClinVar:

ClinVar aggregate classification (germline): Uncertain significance (1 of 4 stars; one submission).

Conditions:
Inborn genetic diseases. Identifiers: MedGen C0950123, MeSH D030342.

gnomAD v4.1: 4 of 1,201,983 alleles (0.00033%); highest among the groups gnomAD compares: Admixed American, 0.0067%; no homozygotes.

Submission:

Ambry Genetics
Classification: Uncertain significance for Inborn genetic diseases. Last evaluated: 2026-06-03. Review status: criteria provided, single submitter. Criteria: Ambry Variant Classification Scheme 2023. Collection method: clinical testing. Allele origin: germline.
Comment: The c.814G>A (p.V272M) alteration is located in exon 8 (coding exon 7) of the FOXP3 gene. This alteration results from a G to A substitution at nucleotide position 814, causing the valine (V) at amino acid position 272 to be replaced by a methionine (M). Based on data from gnomAD, the A allele has an overall frequency of 0.001% (2/185230) total alleles studied. The highest observed frequency was 0.02% (1/4946) of Other alleles. Based on insufficient or conflicting evidence, the clinical significance of this alteration remains unclear.

NM_014009.4(FOXP3):c.814G>A (p.Val272Met)

Gene: FOXP3 (forkhead box P3; minus strand). Cytogenetic location: Xp11.23.
Variant type: single nucleotide variant.
Coding change: c.814G>A on transcript NM_014009.4 (MANE Select); coding-DNA position 814, G replaced by A.
Protein change: p.Val272Met; replaces valine 272 with methionine.
Molecular consequence: missense variant.
Genome position (GRCh38, 1-based): chrX:49,255,431, C>T on the plus strand (G>A on the coding strand, the complement: FOXP3 is on the minus strand). VCF-style: chrX-49255431-C-T. GRCh37 (hg19) VCF-style: chrX-49111892-C-T.
Other names: c.709G>A, p.Val237Met (NM_001114377.2); short protein forms V237M, V272M.
Identifiers: ClinVar variation 4871531 (VCV004871531.1).